The following is an entry in ClinVar:

NM_000492.4(CFTR):c.2210C>T (p.Ser737Phe)

Gene: CFTR (CF transmembrane conductance regulator; plus strand). Cytogenetic location: 7q31.2.
Variant type: single nucleotide variant.
Coding change: c.2210C>T on transcript NM_000492.4 (MANE Select); coding-DNA position 2210, C replaced by T.
Protein change: p.Ser737Phe; replaces serine 737 with phenylalanine.
Molecular consequence: missense variant.
Genome position (GRCh38, 1-based): chr7:117,592,377, C>T. VCF-style: chr7-117592377-C-T. GRCh37 (hg19) VCF-style: chr7-117232431-C-T.
Other names: short protein forms S737F.
Identifiers: ClinVar variation 53454 (VCV000053454.17), dbSNP rs186089140, ClinGen allele CA326770.

ClinVar aggregate classification (germline): Conflicting classifications of pathogenicity. Review status: criteria provided, conflicting classifications (1 of 4 stars). 9 submissions from 9 submitters: Pathogenic (2); Likely pathogenic (4); Uncertain significance (3). Last evaluated 2025-12-10.

Conditions:
CFTR-related disorder (CFTR-RD). Also called: CFTR-related disorders; CFTR-related condition. Identifiers: MedGen C5924204, MONDO:7770004.
Cystic fibrosis (CF). Also called: MUCOVISCIDOSIS. Identifiers: Orphanet 586, MedGen C0010674, MONDO:0009061, OMIM 219700. Disease mechanism: loss of function.
Bronchiectasis with or without elevated sweat chloride 1 (BESC1). Also called: Cystic Fibrosis-Like Syndrome. Identifiers: Orphanet 60033, MedGen C2749757, MONDO:0008887, OMIM 211400.

Allele frequency attached by ClinVar (database versions not stated): gnomAD exomes 0.00001; gnomAD 0.00001 and 0.00002; ExAC 0.00001; 1000 Genomes Project 30x 0.00016; 1000 Genomes Project 0.00020.
gnomAD v4.1: 14 of 1,614,100 alleles (0.00087%); highest among the groups gnomAD compares: Non-Finnish European, 0.0012%; no homozygotes.

Submissions (9):

Natera, Inc.
Classification: Likely pathogenic for CFTR-related disorders. Last evaluated: 2025-12-10. Review status: criteria provided, single submitter. Criteria: Natera Variant Classification Schema (03/2026). Collection method: clinical testing. Allele origin: germline.
Comment: The c.2210C>T variant in CFTR is a missense variant predicted to cause substitution of serine to phenylalanine at amino acid 737. This variant is rare in the general population with a frequency below the threshold expected for the associated phenotype(s). This variant has been observed in one or more individuals affected with the associated recessive disease, as either homozygous or compound heterozygous with a second variant (PMID: 32630227, 33883100, 26500004). This variant has been identified in one or more affected individuals with a phenotype highly consistent with the associated gene (PMID:32630227). Computational prediction algorithms indicate this variant is likely to affect gene or protein function. Given the available evidence, this variant is classified as Likely Pathogenic.

Labcorp Genetics (formerly Invitae), Labcorp
Classification: Pathogenic for Cystic fibrosis. Last evaluated: 2025-07-30. Review status: criteria provided, single submitter. Criteria: Invitae Variant Classification Sherloc (09022015). Collection method: clinical testing. Allele origin: germline.
Comment: This sequence change replaces serine, which is neutral and polar, with phenylalanine, which is neutral and non-polar, at codon 737 of the CFTR protein (p.Ser737Phe). This variant is present in population databases (rs186089140, gnomAD 0.002%). This missense change has been observed in individual(s) with clinical features of cystic fibrosis (PMID: 26471113, 26500004, 29298718, 32630227). ClinVar contains an entry for this variant (Variation ID: 53454). Invitae Evidence Modeling of protein sequence and biophysical properties (such as structural, functional, and spatial information, amino acid conservation, physicochemical variation, residue mobility, and thermodynamic stability) indicates that this missense variant is not expected to disrupt CFTR protein function with a negative predictive value of 80%. Experimental studies have shown that this missense change affects CFTR function (PMID: 9252549). For these reasons, this variant has been classified as Pathogenic.

Women's Health and Genetics/Laboratory Corporation of America, LabCorp
Classification: Pathogenic for Cystic fibrosis. Last evaluated: 2025-02-13. Review status: criteria provided, single submitter. Criteria: LabCorp Variant Classification Summary - May 2015. Collection method: clinical testing. Allele origin: germline.
Comment: Variant summary: CFTR c.2210C>T (p.Ser737Phe) results in a non-conservative amino acid change located in the CFTR regulator domain (IPR025837) of the encoded protein sequence. Five of five in-silico tools predict a damaging effect of the variant on protein function. The variant allele was found at a frequency of 1.2e-05 in 251178 control chromosomes. c.2210C>T has been reported in the literature as a homozygous or compound heterozygous genotype in individuals mainly presenting with hypochloremic alkalosis in childhood, mild CF phenotype in teenage years and some residual CFTR function (Terlizi_2018) and at least two additional compound heterozygous individuals identified in a newborn screening have been reclassified with a CF diagnosis reporting elevated sweat chloride tests (Terlizzi_2019, Terlizzi_2021, Pepermans_2016). It has also been reported in cases of pancreatitis/CFTR testing as a non-informative case (second allele/genotype not specified) or as a subsequent non-primary citation (example, Audrezet_2008, Poulou_2012, Masson_2013, Poli_2019, Pankow_2019, Tacetti_2020). A recent report has listed this variant among those that may not respond to CFTR modulators as expected despite its FDA approval (Raraigh_2022). These data indicate that the variant is very likely to be associated with disease. At least one publication reports experimental evidence evaluating an impact on protein function in vitro. The most pronounced variant effect resulted in approximately 58.03% of normal chloride channel conductance relative to wild type (e.g., Bihler_2024). The following publications have been ascertained in the context of this evaluation (PMID: 18687795, 23951356, 30600261, 26500004, 31328366, 22326559, 35527187, 32630227, 29298718, 31005549, 33883100, 9252549, 38388235). ClinVar contains an entry for this variant (Variation ID: 53454). Based on the evidence outlined above, the variant was classified as pathogenic.

Quest Diagnostics Nichols Institute San Juan Capistrano
Classification: Likely pathogenic. Last evaluated: 2024-10-08. Review status: criteria provided, single submitter. Criteria: Quest Diagnostics criteria. Collection method: clinical testing. Allele origin: unknown.
Comment: The CFTR c.2210C>T (p.Ser737Phe) variant has been reported in the published literature in individuals with cystic fibrosis (PMIDs: 26500004 (2016), 29298718 (2018), and 33883100 (2021)). It has also been reported in individuals with idiopathic chronic pancreatitis (PMIDs: 18687795 (2008) and 23951356 (2013)). The frequency of this variant in the general population, 0.000026 (3/113572 chromosomes (Genome Aggregation Database)), is uninformative in the assessment of its pathogenicity. Analysis of this variant using bioinformatics tools for the prediction of the effect of amino acid changes on protein structure and function yielded predictions that this variant is damaging. Based on the available information, this variant is classified as likely pathogenic.

Baylor Genetics
Classification: Likely pathogenic for Bronchiectasis with or without elevated sweat chloride 1. Last evaluated: 2023-11-04. Review status: criteria provided, single submitter. Criteria: ACMG Guidelines, 2015. Collection method: clinical testing. Allele origin: unknown.

Institute of Human Genetics, University of Leipzig Medical Center
Classification: Likely pathogenic for Cystic fibrosis. Last evaluated: 2022-09-05. Review status: criteria provided, single submitter. Criteria: ACMG Guidelines, 2015. Collection method: curation. Allele origin: unknown. Affected: yes. Observed: 3 variant alleles.
Comment: This variant was identified in 3 unrelated patients with a clinically confirmed diagnosis of cystic fibrosis. The variant was classified in the context of a project re-classifying variants in the German Cystic Fibrosis Registry (Muko.e.V.). Criteria applied: PS3_SUP, PM2_SUP, PM3_STR, PP3, PP4

Ambry Genetics
Classification: Uncertain significance for Cystic fibrosis. Last evaluated: 2022-02-28. Review status: criteria provided, single submitter. Criteria: Ambry Variant Classification Scheme 2023. Collection method: clinical testing. Allele origin: germline.
Comment: The p.S737F variant (also known as c.2210C>T), located in coding exon 14 of the CFTR gene, results from a C to T substitution at nucleotide position 2210. The serine at codon 737 is replaced by phenylalanine, an amino acid with highly dissimilar properties. This variant has been identified in several individuals with a second CFTR variant and intermediate sweat chloride levels; however, phase information was not provided (Sermet-Gaudelus I et al. Am. J. Respir. Crit. Care Med., 2010 Oct;182:929-36; Pepermans X et al. Clin. Biochem., 2016 Jan;49:154-60; Terlizzi V et al. Ital J Pediatr, 2018 Jan;44:2). This variant was identified in the homozygous state in one infant with intermediate sweat chloride levels and in conjunction with a gross deletion (phase not provided) in an infant with elevated sweat chloride levels; both infants presented with hypochloremic alkalosis (Terlizzi V et al. Ital J Pediatr, 2018 Jan;44:2). This amino acid position is highly conserved in available vertebrate species. In addition, this alteration is predicted to be deleterious by in silico analysis. Based on available evidence to date, the clinical significance of this alteration remains unclear.

Genome-Nilou Lab
Classification: Uncertain significance for Cystic fibrosis. Last evaluated: 2021-09-05. Review status: criteria provided, single submitter. Criteria: ACMG Guidelines, 2015. Collection method: clinical testing. Allele origin: germline. Affected: no.

Suma Genomics
Classification: Uncertain significance for Cystic fibrosis. Review status: criteria provided, single submitter. Criteria: ACMG Guidelines, 2015. Collection method: clinical testing. Allele origin: inherited. Inheritance: Autosomal recessive inheritance. Affected: yes.

Literature cited by the submitters: PubMed 32630227 (cited by 4 submitters); PubMed 33883100 (cited by 3 submitters); PubMed 26500004 (cited by 5 submitters); PubMed 26471113 (cited by Labcorp Genetics (formerly Invitae), Labcorp); PubMed 29298718 (cited by 4 submitters); PubMed 9252549 (cited by 3 submitters); PubMed 18687795 (cited by Women's Health and Genetics/Laboratory Corporation of America, LabCorp and Quest Diagnostics Nichols Institute San Juan Capistrano); PubMed 22326559 (cited by 3 submitters); PubMed 23951356 (cited by Women's Health and Genetics/Laboratory Corporation of America, LabCorp and Quest Diagnostics Nichols Institute San Juan Capistrano); PubMed 31005549 (cited by Women's Health and Genetics/Laboratory Corporation of America, LabCorp); PubMed 30600261 (cited by Women's Health and Genetics/Laboratory Corporation of America, LabCorp); PubMed 31328366 (cited by Women's Health and Genetics/Laboratory Corporation of America, LabCorp); PubMed 35527187 (cited by Women's Health and Genetics/Laboratory Corporation of America, LabCorp); PubMed 38388235 (cited by Women's Health and Genetics/Laboratory Corporation of America, LabCorp); PubMed 20538955 (cited by Quest Diagnostics Nichols Institute San Juan Capistrano and Ambry Genetics); PubMed 17660831 (cited by Quest Diagnostics Nichols Institute San Juan Capistrano and Ambry Genetics); PubMed 23523379 (cited by Quest Diagnostics Nichols Institute San Juan Capistrano); PubMed 26389801 (cited by Quest Diagnostics Nichols Institute San Juan Capistrano).